The following is an entry in ClinVar:

NM_006929.5(SKIC2):c.3629T>C (p.Leu1210Pro)

Gene: SKIC2 (SKI2 subunit of superkiller complex; plus strand). Cytogenetic location: 6p21.33.
Variant type: single nucleotide variant.
Coding change: c.3629T>C on transcript NM_006929.5 (MANE Select); coding-DNA position 3629, T replaced by C.
Protein change: p.Leu1210Pro; replaces leucine 1210 with proline.
Molecular consequence: missense variant.
Genome position (GRCh38, 1-based): chr6:31,969,603, T>C. VCF-style: chr6-31969603-T-C. GRCh37 (hg19) VCF-style: chr6-31937380-T-C.
Other names: c.3629T>C (NM_006929.4); short protein forms L1210P.
Identifiers: ClinVar variation 3255346 (VCV003255346.2).
Genomic context (GRCh38, chr6:31,969,603, plus strand): 5'-GGACCCCTGAGGGCCTGGTGGTCCGCTGCATTCAGCGCCTGGCTGAGATGTGTCGCTCAC[T>C]GCGGGGGGCAGCCCGCCTGGTAGGAGAGCCTGTGCTGGGTGCCAAGATGGAGACAGCGGC-3'
Protein context (NP_008860.4, residues 1200-1220): IQRLAEMCRS[Leu1210Pro]RGAARLVGEP

ClinVar aggregate classification (germline): Conflicting classifications of pathogenicity. Review status: criteria provided, conflicting classifications (1 of 4 stars). 2 submissions from 2 submitters: Likely pathogenic (1); Uncertain significance (1). Last evaluated 2024-09-08.

Conditions:
Trichohepatoenteric syndrome 2 (THES2). Identifiers: Orphanet 84064, MedGen C3281289, MONDO:0013818, OMIM 614602.
Inborn genetic diseases. Identifiers: MedGen C0950123, MeSH D030342.

gnomAD v4.1: 8 of 1,613,194 alleles (0.0005%); highest among the groups gnomAD compares: Non-Finnish European, 0.00068%; no homozygotes.

Submissions (2):

Ambry Genetics
Classification: Uncertain significance for Inborn genetic diseases. Last evaluated: 2024-09-08. Review status: criteria provided, single submitter. Criteria: Ambry Variant Classification Scheme 2023. Collection method: clinical testing. Allele origin: germline.

Aleixo Muise Laboratory, Hospital For Sick Children
Classification: Likely pathogenic for Trichohepatoenteric syndrome 2. Last evaluated: 2024-07-05. Review status: criteria provided, single submitter. Criteria: ACMG Guidelines, 2015. Collection method: research. Allele origin: inherited. Affected: yes. Observed: 2 variant alleles.
Comment: PM2;PM3;PP1;PP3;PP4